The following is an entry in ClinVar:

NM_004260.4(RECQL4):c.1010C>G (p.Ala337Gly)

Gene: RECQL4 (RecQ like helicase 4; minus strand). Cytogenetic location: 8q24.3.
Variant type: single nucleotide variant.
Coding change: c.1010C>G on transcript NM_004260.4 (MANE Select); coding-DNA position 1010, C replaced by G.
Protein change: p.Ala337Gly; replaces alanine 337 with glycine.
Molecular consequence: missense variant.
Genome position (GRCh38, 1-based): chr8:144,516,109, G>C on the plus strand (C>G on the coding strand, the complement: RECQL4 is on the minus strand). VCF-style: chr8-144516109-G-C. GRCh37 (hg19) VCF-style: chr8-145741493-G-C.
Other names: c.1010C>G, p.Ala337Gly (NM_001413018.1, NM_001413019.1, NM_001413033.1 and 2 more transcripts); c.-62C>G (NM_001413021.1, NM_001413022.1, NM_001413023.1 and 7 more transcripts); c.881C>G, p.Ala294Gly (NM_001413025.1); c.-124C>G (NM_001413027.1, NM_001413030.1, NM_001413031.1 and 2 more transcripts); c.659C>G, p.Ala220Gly (NM_001413029.1); c.-331C>G (NM_001413043.1); c.1010C>G (NM_004260.3); short protein forms A220G, A294G, A337G.
Identifiers: ClinVar variation 2051193 (VCV002051193.5), dbSNP rs1434732916, ClinGen allele CA372688333.

ClinVar aggregate classification (germline): Uncertain significance. Review status: criteria provided, multiple submitters, no conflicts (2 of 4 stars). 2 submissions from 2 submitters: Uncertain significance (2). Last evaluated 2025-06-21.

Conditions:
Inborn genetic diseases. Identifiers: MedGen C0950123, MeSH D030342.
Baller-Gerold syndrome (BGS). Also called: CRANIOSYNOSTOSIS WITH RADIAL DEFECTS. Identifiers: Orphanet 1225, MedGen C0265308, MONDO:0009039, OMIM 218600.

gnomAD v4.1: 1 of 1,612,812 alleles (0.000062%); highest among the groups gnomAD compares: African/African-American, 0.0013%; no homozygotes.

Submissions (2):

Ambry Genetics
Classification: Uncertain significance for Inborn genetic diseases. Last evaluated: 2025-06-21. Review status: criteria provided, single submitter. Criteria: Ambry Variant Classification Scheme 2023. Collection method: clinical testing. Allele origin: germline.
Comment: The p.A337G variant (also known as c.1010C>G), located in coding exon 5 of the RECQL4 gene, results from a C to G substitution at nucleotide position 1010. The alanine at codon 337 is replaced by glycine, an amino acid with similar properties. This amino acid position is conserved. In addition, this alteration is predicted to be tolerated by in silico analysis. Based on the available evidence, the clinical significance of this variant remains unclear.

Labcorp Genetics (formerly Invitae), Labcorp
Classification: Uncertain significance for Baller-Gerold syndrome. Last evaluated: 2022-04-29. Review status: criteria provided, single submitter. Criteria: Invitae Variant Classification Sherloc (09022015). Collection method: clinical testing. Allele origin: germline.
Comment: In summary, the available evidence is currently insufficient to determine the role of this variant in disease. Therefore, it has been classified as a Variant of Uncertain Significance. Experimental studies and prediction algorithms are not available or were not evaluated, and the functional significance of this variant is currently unknown. This variant has not been reported in the literature in individuals affected with RECQL4-related conditions. This variant is not present in population databases (gnomAD no frequency). This sequence change replaces alanine, which is neutral and non-polar, with glycine, which is neutral and non-polar, at codon 337 of the RECQL4 protein (p.Ala337Gly).